The following is an entry in ClinVar:

ClinVar aggregate classification (germline): Pathogenic (1 of 4 stars; one submission).

Submission:

Labcorp Genetics (formerly Invitae), Labcorp
Classification: Pathogenic. Last evaluated: 2022-08-23. Review status: criteria provided, single submitter. Criteria: Invitae Variant Classification Sherloc (09022015). Collection method: clinical testing. Allele origin: germline.
Comment: For these reasons, this variant has been classified as Pathogenic. This premature translational stop signal has been observed in individual(s) with choroideremia (PMID: 31922496). This variant is not present in population databases (gnomAD no frequency). This sequence change creates a premature translational stop signal (p.Gln385Serfs*24) in the CHM gene. It is expected to result in an absent or disrupted protein product. Loss-of-function variants in CHM are known to be pathogenic (PMID: 9067750, 23811034).

Literature cited by the submitters: PubMed 31922496; PubMed 9067750; PubMed 23811034.

NM_000390.4(CHM):c.1153del (p.Gln385fs)

Gene: CHM (CHM Rab escort protein; minus strand). Cytogenetic location: Xq21.2.
Variant type: Deletion.
Coding change: c.1153del on transcript NM_000390.4 (MANE Select); coding-DNA position 1153, one base deleted (C; older notation c.1153delC).
Protein change: p.Gln385fs; shifts the reading frame from glutamine 385.
Molecular consequence: frameshift variant.
Genome position (GRCh38, 1-based): chrX:85,956,166, G deleted on the plus strand (C on the coding strand, the reverse complement: CHM is on the minus strand); the first of 5 consecutive G bases (chrX:85,956,166-85,956,170); deleting any one gives the same sequence. VCF-style (leftmost placement, unchanged base first): chrX-85956165-TG-T. GRCh37 (hg19) VCF-style: chrX-85211170-TG-T.
Other names: c.709del, p.Gln237fs (NM_001320959.1, NM_001362517.1, NM_001362518.2 and 1 more transcripts); short protein forms Q237fs, Q385fs.
Identifiers: ClinVar variation 1918324 (VCV001918324.5), dbSNP rs2147662931, ClinGen allele CA2532278399.